The following is an entry in ClinVar:

ClinVar aggregate classification (germline): Uncertain significance. Review status: criteria provided, multiple submitters, no conflicts (2 of 4 stars). 2 submissions from 2 submitters: Uncertain significance (2). Last evaluated 2022-07-26.

Conditions:
Ellis-van Creveld syndrome (EVC). Also called: MESOECTODERMAL DYSPLASIA; EVC2-Related Ellis-van Creveld Syndrome; EVC-Related Ellis-van Creveld Syndrome; Chondroectodermal dysplasia. Identifiers: Orphanet 289, MedGen C0013903, MONDO:0009162, OMIM 225500.
Curry-Hall syndrome (WAD). Also called: WEYERS ACRODENTAL DYSOSTOSIS. Identifiers: Orphanet 952, MedGen C0457013, MONDO:0008673, OMIM 193530.

Allele frequency attached by ClinVar (database versions not stated): TOPMed 0.00001.
gnomAD v4.1: 3 of 1,614,048 alleles (0.00019%); highest among the groups gnomAD compares: Admixed American, 0.0033%; no homozygotes.

Submissions (2):

Labcorp Genetics (formerly Invitae), Labcorp
Classification: Uncertain significance for Curry-Hall syndrome; Ellis-van Creveld syndrome. Last evaluated: 2022-07-26. Review status: criteria provided, single submitter. Criteria: Invitae Variant Classification Sherloc (09022015). Collection method: clinical testing. Allele origin: germline.
Comment: This sequence change replaces proline, which is neutral and non-polar, with arginine, which is basic and polar, at codon 551 of the EVC protein (p.Pro551Arg). This variant is present in population databases (no rsID available, gnomAD 0.003%). This variant has not been reported in the literature in individuals affected with EVC-related conditions. ClinVar contains an entry for this variant (Variation ID: 811140). Algorithms developed to predict the effect of missense changes on protein structure and function output the following: SIFT: "Tolerated"; PolyPhen-2: "Benign"; Align-GVGD: "Class C0". The arginine amino acid residue is found in multiple mammalian species, which suggests that this missense change does not adversely affect protein function. In summary, the available evidence is currently insufficient to determine the role of this variant in disease. Therefore, it has been classified as a Variant of Uncertain Significance.

ARUP Laboratories, Molecular Genetics and Genomics, ARUP Laboratories
Classification: Uncertain significance. Last evaluated: 2018-10-02. Review status: criteria provided, single submitter. Criteria: ARUP Molecular Germline Variant Investigation Process. Collection method: clinical testing. Allele origin: germline.
Comment: The EVC c.1652C>G; p.Pro551Arg variant (rs371682994), to our knowledge, is not reported in the medical literature or gene specific databases. This variant is found on a single chromosome in the Genome Aggregation Database, indicating it is not a common polymorphism. The proline at codon 551 is weakly conserved, and computational analyses (SIFT, PolyPhen-2) predict that this variant is tolerated. However, due to limited information, the clinical significance of the p.Pro551Arg variant is uncertain at this time.

NM_153717.3(EVC):c.1652C>G (p.Pro551Arg)

Gene: EVC (EvC ciliary complex subunit 1; plus strand). Cytogenetic location: 4p16.2.
Variant type: single nucleotide variant.
Coding change: c.1652C>G on transcript NM_153717.3 (MANE Select); coding-DNA position 1652, C replaced by G.
Protein change: p.Pro551Arg; replaces proline 551 with arginine.
Molecular consequence: missense variant.
Genome position (GRCh38, 1-based): chr4:5,783,640, C>G. VCF-style: chr4-5783640-C-G. GRCh37 (hg19) VCF-style: chr4-5785367-C-G.
Other names: c.1652C>G, p.Pro551Arg (NM_001306090.2); short protein forms P551R.
Identifiers: ClinVar variation 811140 (VCV000811140.9), dbSNP rs371682994, ClinGen allele CA356160848.
Genomic context (GRCh38, chr4:5,783,640, plus strand): 5'-TCCAGAAGTTCGTGGATGCCCTGTTCCTTCAGACGCTCCCTGGCATGACTGGCCTCCCCC[C>G]GGAAGAGTGTGACTACTTGAGGCAGGAAGTCCAGGAGAACGCTGCCTGGCAGCTGGGGAA-3'
Protein context (NP_714928.1, residues 541-561): QTLPGMTGLP[Pro551Arg]EECDYLRQEV